The following is an entry in ClinVar:

ClinVar aggregate classification (germline): Uncertain significance (1 of 4 stars; one submission).

Allele frequency attached by ClinVar (database versions not stated): ExAC 0.00002; gnomAD 0.00002; TOPMed 0.00004; gnomAD exomes 0.00010; ESP Exome Variant Server 0.00015.
gnomAD v4.1: 141 of 1,614,070 alleles (0.0087%); highest among the groups gnomAD compares: Non-Finnish European, 0.012%; no homozygotes.

Submission:

CeGaT Center for Human Genetics Tuebingen
Classification: Uncertain significance. Last evaluated: 2026-06-01. Review status: criteria provided, single submitter. Criteria: CeGaT Center For Human Genetics Tuebingen Variant Classification Criteria Version 2. Collection method: clinical testing. Allele origin: germline. Affected: yes. Observed: 2 variant alleles.
Comment: PIGS: PM2

NM_033198.4(PIGS):c.1384G>A (p.Ala462Thr)

Gene: PIGS (phosphatidylinositol glycan anchor biosynthesis class S; minus strand). Cytogenetic location: 17q11.2.
Variant type: single nucleotide variant.
Coding change: c.1384G>A on transcript NM_033198.4 (MANE Select); coding-DNA position 1384, G replaced by A.
Protein change: p.Ala462Thr; replaces alanine 462 with threonine.
Molecular consequence: missense variant.
Genome position (GRCh38, 1-based): chr17:28,554,859, C>T on the plus strand (G>A on the coding strand, the complement: PIGS is on the minus strand). VCF-style: chr17-28554859-C-T. GRCh37 (hg19) VCF-style: chr17-26881877-C-T.
Other names: short protein forms A462T.
Identifiers: ClinVar variation 3250672 (VCV003250672.18), dbSNP rs141812841.